The following is an entry in ClinVar:

NM_000217.3(KCNA1):c.1207C>A (p.Pro403Thr)

Gene: KCNA1 (potassium voltage-gated channel subfamily A member 1; plus strand). Cytogenetic location: 12p13.32.
Variant type: single nucleotide variant.
Coding change: c.1207C>A on transcript NM_000217.3 (MANE Select); coding-DNA position 1207, C replaced by A.
Protein change: p.Pro403Thr; replaces proline 403 with threonine.
Molecular consequence: missense variant.
Genome position (GRCh38, 1-based): chr12:4,912,585, C>A. VCF-style: chr12-4912585-C-A. GRCh37 (hg19) VCF-style: chr12-5021751-C-A.
Other names: short protein forms P403T.
Identifiers: ClinVar variation 644532 (VCV000644532.6), dbSNP rs1591627924, ClinGen allele CA383456271.

ClinVar aggregate classification (germline): Uncertain significance (1 of 4 stars; one submission).

Conditions:
Episodic ataxia type 1 (EA1). Also called: MYOKYMIA WITH PERIODIC ATAXIA; PAROXYSMAL ATAXIA WITH NEUROMYOTONIA, HEREDITARY; ATAXIA, EPISODIC, WITH MYOKYMIA; Episodic ataxia/myokymia syndrome. Identifiers: Orphanet 37612, Orphanet 972, MedGen C1719788, MONDO:0008047, OMIM 160120.

Submission:

Labcorp Genetics (formerly Invitae), Labcorp
Classification: Uncertain significance for Episodic ataxia type 1. Last evaluated: 2022-12-06. Review status: criteria provided, single submitter. Criteria: Invitae Variant Classification Sherloc (09022015). Collection method: clinical testing. Allele origin: germline.
Comment: ClinVar contains an entry for this variant (Variation ID: 644532). Advanced modeling of protein sequence and biophysical properties (such as structural, functional, and spatial information, amino acid conservation, physicochemical variation, residue mobility, and thermodynamic stability) performed at Invitae indicates that this missense variant is expected to disrupt KCNA1 protein function. This variant disrupts the p.Pro403 amino acid residue in KCNA1. Other variant(s) that disrupt this residue have been determined to be pathogenic (PMID: 34778950, 35897654). This suggests that this residue is clinically significant, and that variants that disrupt this residue are likely to be disease-causing. In summary, the available evidence is currently insufficient to determine the role of this variant in disease. Therefore, it has been classified as a Variant of Uncertain Significance. This missense change has been observed in individual(s) with West syndrome (Invitae). This sequence change replaces proline, which is neutral and non-polar, with threonine, which is neutral and polar, at codon 403 of the KCNA1 protein (p.Pro403Thr). This variant is not present in population databases (gnomAD no frequency).

Literature cited by the submitters: PubMed 34778950; PubMed 35897654.